The following is an entry in ClinVar:

NM_032119.4(ADGRV1):c.7624C>G (p.Leu2542Val)

Gene: ADGRV1 (adhesion G protein-coupled receptor V1; plus strand). Cytogenetic location: 5q14.3.
Variant type: single nucleotide variant.
Coding change: c.7624C>G on transcript NM_032119.4 (MANE Select); coding-DNA position 7624, C replaced by G.
Protein change: p.Leu2542Val; replaces leucine 2542 with valine.
Molecular consequence: missense variant. On other transcripts: non-coding transcript variant (1).
Genome position (GRCh38, 1-based): chr5:90,694,380, C>G. VCF-style: chr5-90694380-C-G. GRCh37 (hg19) VCF-style: chr5-89990197-C-G.
Other names: short protein forms L2542V.
Identifiers: ClinVar variation 1047786 (VCV001047786.13), dbSNP rs199869109, ClinGen allele CA3340065.

ClinVar aggregate classification (germline): Conflicting classifications of pathogenicity. Review status: criteria provided, conflicting classifications (1 of 4 stars). 5 submissions from 5 submitters: Uncertain significance (2); Benign (1); Likely benign (2). Last evaluated 2026-08-30.

Conditions:
ADGRV1-related disorder. Also called: ADGRV1-related condition; ADGRV1-related disorders.
Inborn genetic diseases. Identifiers: MedGen C0950123, MeSH D030342.

Allele frequency attached by ClinVar (database versions not stated): 1000 Genomes Project 30x 0.00016; ESP Exome Variant Server 0.00033; gnomAD 0.00035 and 0.00038; TOPMed 0.00036.
gnomAD v4.1: 93 of 1,614,000 alleles (0.0058%); highest among the groups gnomAD compares: African/African-American, 0.12%; no homozygotes.

Submissions (5):

PreventionGenetics, part of Exact Sciences
Classification: Uncertain significance for ADGRV1-related condition. Last evaluated: 2026-08-30. Review status: criteria provided, single submitter. Criteria: ACMG Guidelines, 2015. Collection method: clinical testing. Allele origin: germline.
Comment: The ADGRV1 c.7624C>G variant is predicted to result in the amino acid substitution p.Leu2542Val. To our knowledge, this variant has not been reported in the literature. This variant is reported in 0.13% of alleles in individuals of African descent in gnomAD, which may be too frequent to be a primary cause of disease. Although we suspect that this variant may be benign, at this time, the clinical significance of this variant is uncertain due to the absence of conclusive functional and genetic evidence.

Labcorp Genetics (formerly Invitae), Labcorp
Classification: Benign. Last evaluated: 2026-01-18. Review status: criteria provided, single submitter. Criteria: Invitae Variant Classification Sherloc (09022015). Collection method: clinical testing. Allele origin: germline.

Ambry Genetics
Classification: Uncertain significance for Inborn genetic diseases. Last evaluated: 2025-02-08. Review status: criteria provided, single submitter. Criteria: Ambry Variant Classification Scheme 2023. Collection method: clinical testing. Allele origin: germline.

Blueprint Genetics
Classification: Likely benign. Last evaluated: 2024-11-20. Review status: criteria provided, single submitter. Criteria: ACMG Guidelines, 2015. Collection method: clinical testing. Allele origin: germline.

GeneDx
Classification: Likely benign. Last evaluated: 2021-06-11. Review status: criteria provided, single submitter. Criteria: GeneDx Variant Classification Process June 2021. Collection method: clinical testing. Allele origin: germline. Affected: yes.